The following is an entry in ClinVar:

ClinVar aggregate classification (germline): Likely pathogenic. Review status: criteria provided, multiple submitters, no conflicts (2 of 4 stars). 5 submissions from 5 submitters: Likely pathogenic (3). 2 of the submissions do not count toward it. Last evaluated 2024-02-12.

Conditions:
Nephrotic syndrome, type 2 (NPHS2). Also called: NEPHROTIC SYNDROME, STEROID-RESISTANT, AUTOSOMAL RECESSIVE. Identifiers: Orphanet 656, MedGen C1868672, MONDO:0010974, OMIM 600995.

Allele frequency attached by ClinVar (database versions not stated): gnomAD exomes below 0.00001.
gnomAD v4.1: 1 of 1,611,542 alleles (0.000062%); highest among the groups gnomAD compares: Non-Finnish European, 0.000085%; no homozygotes.

Submissions (5):

Fulgent Genetics
Classification: Likely pathogenic for Nephrotic syndrome, type 2. Last evaluated: 2024-02-12. Review status: criteria provided, single submitter. Criteria: ACMG Guidelines, 2015. Collection method: clinical testing. Allele origin: germline.

Genome-Nilou Lab
Classification: Likely pathogenic for Nephrotic syndrome, type 2. Last evaluated: 2023-04-11. Review status: criteria provided, single submitter. Criteria: ACMG Guidelines, 2015. Collection method: clinical testing. Allele origin: germline. Affected: no.

Labcorp Genetics (formerly Invitae), Labcorp
Classification: Likely pathogenic. Last evaluated: 2022-04-14. Review status: criteria provided, single submitter. Criteria: Invitae Variant Classification Sherloc (09022015). Collection method: clinical testing. Allele origin: germline.
Comment: This sequence change affects a donor splice site in intron 3 of the NPHS2 gene. It is expected to disrupt RNA splicing. Variants that disrupt the donor or acceptor splice site typically lead to a loss of protein function (PMID: 16199547), and loss-of-function variants in NPHS2 are known to be pathogenic (PMID: 10742096, 14701729, 15253708, 23595123). Disruption of this splice site has been observed in individual(s) with steroid-resistant nephrotic syndrome (PMID: 14978175, 24509478). ClinVar contains an entry for this variant (Variation ID: 189111). This variant is also known as IVS3+2T>A. This variant is not present in population databases (gnomAD no frequency). In summary, the currently available evidence indicates that the variant is pathogenic, but additional data are needed to prove that conclusively. Therefore, this variant has been classified as Likely Pathogenic. Algorithms developed to predict the effect of sequence changes on RNA splicing suggest that this variant may disrupt the consensus splice site.

Gharavi Laboratory, Columbia University
Classification: Pathogenic. Last evaluated: 2018-09-16. Review status: no assertion criteria provided. Criteria: ACMG Guidelines, 2015. Collection method: research. Allele origin: germline. Affected: yes. Not counted in ClinVar's aggregate classification.

Counsyl
Classification: Likely pathogenic for Nephrotic syndrome, idiopathic, steroid-resistant. Last evaluated: 2014-12-30. Review status: no assertion criteria provided. Collection method: literature only. Allele origin: unknown. Inheritance: Autosomal recessive inheritance. Not counted in ClinVar's aggregate classification.

Literature cited by the submitters: PubMed 16199547 (cited by Labcorp Genetics (formerly Invitae), Labcorp); PubMed 10742096 (cited by Labcorp Genetics (formerly Invitae), Labcorp); PubMed 14701729 (cited by Labcorp Genetics (formerly Invitae), Labcorp); PubMed 15253708 (cited by Labcorp Genetics (formerly Invitae), Labcorp); PubMed 23595123 (cited by Labcorp Genetics (formerly Invitae), Labcorp); PubMed 14978175 (cited by Labcorp Genetics (formerly Invitae), Labcorp and Counsyl); PubMed 24509478 (cited by Labcorp Genetics (formerly Invitae), Labcorp and Counsyl).

NM_014625.4(NPHS2):c.451+2T>A

Gene: NPHS2 (NPHS2 stomatin family member, podocin; minus strand). Cytogenetic location: 1q25.2.
Variant type: single nucleotide variant.
Coding change: c.451+2T>A on transcript NM_014625.4 (MANE Select); the canonical splice donor site of the intron after coding-DNA position 451, T replaced by A.
Molecular consequence: splice donor variant.
Genome position (GRCh38, 1-based): chr1:179,561,287, A>T on the plus strand (T>A on the coding strand, the complement: NPHS2 is on the minus strand). VCF-style: chr1-179561287-A-T. GRCh37 (hg19) VCF-style: chr1-179530422-A-T.
Other names: c.451+2T>A (NM_001297575.2).
Identifiers: ClinVar variation 189111 (VCV000189111.12), dbSNP rs786204708, ClinGen allele CA199120.
Genomic context (GRCh38, chr1:179,561,287, plus strand): 5'-TGGGTTGAAGAAATTGGCAAGTCAGGAGAGAGGTGTTTAGAAAAAAAAGAGTGTTTTTTT[A>T]CCAGGGCCTTTGGCTCTTCCAGGAAGCAGATGTCCCAGTCGGAATATAATTACTCTTTCA-3'